The following is an entry in ClinVar:

NM_000053.4(ATP7B):c.1307T>C (p.Leu436Pro)

Gene: ATP7B (ATPase copper transporting beta; minus strand). Cytogenetic location: 13q14.3.
Variant type: single nucleotide variant.
Coding change: c.1307T>C on transcript NM_000053.4 (MANE Select); coding-DNA position 1307, T replaced by C.
Protein change: p.Leu436Pro; replaces leucine 436 with proline.
Molecular consequence: missense variant. On other transcripts: intron variant (1).
Genome position (GRCh38, 1-based): chr13:51,970,728, A>G on the plus strand (T>C on the coding strand, the complement: ATP7B is on the minus strand). VCF-style: chr13-51970728-A-G. GRCh37 (hg19) VCF-style: chr13-52544864-A-G.
Other names: c.1307T>C, p.Leu436Pro (NM_001005918.3, NM_001330578.2, NM_001406519.1 and 28 more transcripts); c.974T>C, p.Leu325Pro (NM_001243182.2); c.1211T>C, p.Leu404Pro (NM_001406517.1, NM_001406518.1, NM_001406530.1 and 3 more transcripts); c.878T>C, p.Leu293Pro (NM_001406539.1); c.1285+3207T>C (NM_001406548.1); c.1307T>C (NM_000053.3); short protein forms L293P, L325P, L404P, L436P.
Identifiers: ClinVar variation 4758669 (VCV004758669.2).
Genomic context (GRCh38, chr13:51,970,728, plus strand): 5'-ACAGATGTAGGTGTACCATCTGTAGTTTGCACCATGGAATTCCCAGCACTGTGGTTTCCA[A>G]GAGGGTTAGTAGAACAGCTTTCTAGGATAAAATGTCAGAAAATATTCAAATTAGAAGAGC-3'
Protein context (NP_000044.2, residues 426-446): VVSESCSTNP[Leu436Pro]GNHSAGNSMV

ClinVar aggregate classification (germline): Uncertain significance. Review status: criteria provided, multiple submitters, no conflicts (2 of 4 stars). 2 submissions from 2 submitters: Uncertain significance (2). Last evaluated 2026-03-18.

Conditions:
ATP7B-related disorder. Also called: ATP7B-related condition.
Wilson disease (WND). Also called: Wilson's disease. Identifiers: Orphanet 905, MedGen C0019202, MONDO:0010200, OMIM 277900. Disease mechanism: loss of function.

gnomAD v4.1: 9 of 1,613,906 alleles (0.00056%); highest among the groups gnomAD compares: African/African-American, 0.004%; no homozygotes.

Submissions (2):

PreventionGenetics, part of Exact Sciences
Classification: Uncertain significance for ATP7B-related condition. Last evaluated: 2026-03-18. Review status: criteria provided, single submitter. Criteria: ACMG Guidelines, 2015. Collection method: clinical testing. Allele origin: germline.
Comment: The ATP7B c.1307T>C variant is predicted to result in the amino acid substitution p.Leu436Pro. To our knowledge, this variant has not been reported in the literature. This variant is reported in 0.0044% of alleles in individuals of European (Non-Finnish) descent in gnomAD. At this time, the clinical significance of this variant is uncertain due to the absence of conclusive functional and genetic evidence.

Color Diagnostics, LLC DBA Color Health
Classification: Uncertain significance for Wilson disease. Last evaluated: 2024-05-07. Review status: criteria provided, single submitter. Criteria: ACMG Guidelines, 2015. Collection method: clinical testing. Allele origin: germline.
Comment: This missense variant replaces leucine with proline at codon 436 of the ATP7B protein. Computational prediction suggests that this variant may not impact protein structure and function. To our knowledge, functional studies have not been reported for this variant. This variant has not been reported in individuals affected with ATP7B-related disorders in the literature. This variant has been identified in 5/248624 chromosomes in the general population by the Genome Aggregation Database (gnomAD). The available evidence is insufficient to determine the role of this variant in disease conclusively. Therefore, this variant is classified as a Variant of Uncertain Significance.